The following is an entry in ClinVar:

ClinVar aggregate classification (germline): Uncertain significance (1 of 4 stars; one submission).

gnomAD v4.1: 3 of 1,614,154 alleles (0.00019%); highest among the groups gnomAD compares: South Asian, 0.0022%; no homozygotes.

Submission:

Women's Health and Genetics/Laboratory Corporation of America, LabCorp
Classification: Uncertain significance. Last evaluated: 2019-03-12. Review status: criteria provided, single submitter. Criteria: LabCorp Variant Classification Summary - May 2015. Collection method: clinical testing. Allele origin: germline.
Comment: Variant summary: ACTN2 c.1564G>A (p.Ala522Thr) results in a non-conservative amino acid change located in the Spectrin/alpha-actinin domain (IPR018159) of the encoded protein sequence. Three of five in-silico tools predict a damaging effect of the variant on protein function. The variant allele was found at a frequency of 8.1e-06 in 246184 control chromosomes (gnomAD). The available data on variant occurrences in the general population are insufficient to allow any conclusion about variant significance. To our knowledge, no occurrence of c.1564G>A in individuals affected with Cardiomyopathy and no experimental evidence demonstrating its impact on protein function have been reported. No clinical diagnostic laboratories have submitted clinical-significance assessments for this variant to ClinVar after 2014. Based on the evidence outlined above, the variant was classified as uncertain significance.

NM_001103.4(ACTN2):c.1564G>A (p.Ala522Thr)

Gene: ACTN2 (actinin alpha 2; plus strand). Cytogenetic location: 1q43.
Variant type: single nucleotide variant.
Coding change: c.1564G>A on transcript NM_001103.4 (MANE Select); coding-DNA position 1564, G replaced by A.
Protein change: p.Ala522Thr; replaces alanine 522 with threonine.
Molecular consequence: missense variant.
Genome position (GRCh38, 1-based): chr1:236,749,172, G>A. VCF-style: chr1-236749172-G-A. GRCh37 (hg19) VCF-style: chr1-236912472-G-A.
Other names: c.1564G>A, p.Ala522Thr (NM_001278343.2); c.940G>A, p.Ala314Thr (NM_001278344.2); short protein forms A314T, A522T.
Identifiers: ClinVar variation 928659 (VCV000928659.1), dbSNP rs1455367143, ClinGen allele CA345384760.